The following is an entry in ClinVar:

NM_032043.3(BRIP1):c.3617T>C (p.Ile1206Thr)

Gene: BRIP1 (BRCA1 interacting DNA helicase 1; minus strand). Cytogenetic location: 17q23.2.
Variant type: single nucleotide variant.
Coding change: c.3617T>C on transcript NM_032043.3 (MANE Select); coding-DNA position 3617, T replaced by C.
Protein change: p.Ile1206Thr; replaces isoleucine 1206 with threonine.
Molecular consequence: missense variant.
Genome position (GRCh38, 1-based): chr17:61,683,429, A>G on the plus strand (T>C on the coding strand, the complement: BRIP1 is on the minus strand). VCF-style: chr17-61683429-A-G. GRCh37 (hg19) VCF-style: chr17-59760790-A-G.
Other names: short protein forms I1206T.
Identifiers: ClinVar variation 2939693 (VCV002939693.4), dbSNP rs2544553054, ClinGen allele CA400478010.

ClinVar aggregate classification (germline): Uncertain significance. Review status: criteria provided, multiple submitters, no conflicts (2 of 4 stars). 2 submissions from 2 submitters: Uncertain significance (2). Last evaluated 2024-06-09.

Conditions:
Hereditary cancer-predisposing syndrome. Also called: Neoplastic Syndromes, Hereditary; Tumor predisposition; Hereditary Cancer Syndrome; Hereditary neoplastic syndrome. Identifiers: Orphanet 140162, MedGen C0027672, MeSH D009386, MONDO:0015356.
Fanconi anemia complementation group J. Also called: BRIP1-Related Fanconi Anemia. Identifiers: Orphanet 84, MedGen C1836860, MONDO:0012187, OMIM 609054.
Familial cancer of breast. Also called: BREAST CANCER, FAMILIAL; Hereditary breast cancer; hereditary breast carcinoma. Identifiers: Orphanet 227535, MedGen C0346153, MONDO:0016419, OMIM 114480. Disease mechanism: loss of function.

Allele frequency attached by ClinVar (database versions not stated): gnomAD exomes below 0.00001.
gnomAD v4.1: 2 of 1,613,622 alleles (0.00012%); no homozygotes.

Submissions (2):

Ambry Genetics
Classification: Uncertain significance for Hereditary cancer-predisposing syndrome. Last evaluated: 2024-06-09. Review status: criteria provided, single submitter. Criteria: Ambry Variant Classification Scheme 2023. Collection method: clinical testing. Allele origin: germline.
Comment: The p.I1206T variant (also known as c.3617T>C), located in coding exon 19 of the BRIP1 gene, results from a T to C substitution at nucleotide position 3617. The isoleucine at codon 1206 is replaced by threonine, an amino acid with similar properties. This amino acid position is conserved. In addition, this alteration is predicted to be tolerated by in silico analysis. Based on the available evidence, the clinical significance of this variant remains unclear.

Labcorp Genetics (formerly Invitae), Labcorp
Classification: Uncertain significance for Familial cancer of breast; Fanconi anemia complementation group J. Last evaluated: 2024-02-27. Review status: criteria provided, single submitter. Criteria: Invitae Variant Classification Sherloc (09022015). Collection method: clinical testing. Allele origin: germline.
Comment: This sequence change replaces isoleucine, which is neutral and non-polar, with threonine, which is neutral and polar, at codon 1206 of the BRIP1 protein (p.Ile1206Thr). This variant is not present in population databases (gnomAD no frequency). This variant has not been reported in the literature in individuals affected with BRIP1-related conditions. An algorithm developed to predict the effect of missense changes on protein structure and function (PolyPhen-2) suggests that this variant is likely to be tolerated. In summary, the available evidence is currently insufficient to determine the role of this variant in disease. Therefore, it has been classified as a Variant of Uncertain Significance.